The following is an entry in ClinVar:

NM_002693.3(POLG):c.416T>G (p.Phe139Cys)

Genes: POLG (DNA polymerase gamma, catalytic subunit; minus strand), POLGARF (POLG alternative reading frame; minus strand). Cytogenetic location: 15q26.1.
Variant type: single nucleotide variant.
Coding change: c.416T>G on transcript NM_002693.3 (MANE Select); coding-DNA position 416, T replaced by G.
Protein change: p.Phe139Cys; replaces phenylalanine 139 with cysteine.
Molecular consequence: missense variant.
Genome position (GRCh38, 1-based): chr15:89,333,339, A>C on the plus strand (T>G on the coding strand, the complement: POLG is on the minus strand). VCF-style: chr15-89333339-A-C. GRCh37 (hg19) VCF-style: chr15-89876570-A-C.
Other names: c.416T>G, p.Phe139Cys (NM_001126131.2); short protein forms F139C.
Identifiers: ClinVar variation 1525187 (VCV001525187.8), dbSNP rs2141814897, ClinGen allele CA393771901.

ClinVar aggregate classification (germline): Uncertain significance (1 of 4 stars; one submission).

Conditions:
Progressive sclerosing poliodystrophy (MTDPS4A). Also called: ALPERS PROGRESSIVE INFANTILE POLIODYSTROPHY; NEURONAL DEGENERATION OF CHILDHOOD WITH LIVER DISEASE, PROGRESSIVE; Mitochondrial DNA Depletion Syndrome 4A; Alpers-Huttenlocher Syndrome (AHS); Alpers Syndrome; ALPERS DIFFUSE DEGENERATION OF CEREBRAL GRAY MATTER WITH HEPATIC CIRRHOSIS. Identifiers: Orphanet 726, MedGen C0205710, MONDO:0008758, OMIM 203700.

Submission:

Labcorp Genetics (formerly Invitae), Labcorp
Classification: Uncertain significance for Progressive sclerosing poliodystrophy. Last evaluated: 2021-01-22. Review status: criteria provided, single submitter. Criteria: Invitae Variant Classification Sherloc (09022015). Collection method: clinical testing. Allele origin: germline.
Comment: This sequence change replaces phenylalanine with cysteine at codon 139 of the POLG protein (p.Phe139Cys). The phenylalanine residue is highly conserved and there is a large physicochemical difference between phenylalanine and cysteine. This variant is not present in population databases (ExAC no frequency). This variant has not been reported in the literature in individuals with POLG-related conditions. Algorithms developed to predict the effect of missense changes on protein structure and function are either unavailable or do not agree on the potential impact of this missense change (SIFT: "Deleterious"; PolyPhen-2: "Probably Damaging"; Align-GVGD: "Class C0"). In summary, the available evidence is currently insufficient to determine the role of this variant in disease. Therefore, it has been classified as a Variant of Uncertain Significance.